The following is an entry in ClinVar:

ClinVar aggregate classification (germline): Pathogenic (1 of 4 stars; one submission).

Conditions:
Joubert syndrome. Also called: CEREBELLOPARENCHYMAL DISORDER IV; JOUBERT-BOLTSHAUSER SYNDROME; Familial aplasia of the vermis. Identifiers: Orphanet 475, MedGen C5979921, MONDO:0018772.
Meckel-Gruber syndrome. Also called: DYSENCEPHALIA SPLANCHNOCYSTICA; GRUBER SYNDROME; Dysencephalia splachnocystica. Identifiers: Orphanet 564, MedGen C0265215, MONDO:0018921.

Submission:

Labcorp Genetics (formerly Invitae), Labcorp
Classification: Pathogenic for Joubert syndrome; Meckel-Gruber syndrome. Last evaluated: 2021-04-16. Review status: criteria provided, single submitter. Criteria: Invitae Variant Classification Sherloc (09022015). Collection method: clinical testing. Allele origin: germline.
Comment: For these reasons, this variant has been classified as Pathogenic. This variant has not been reported in the literature in individuals with MKS1-related conditions. This variant is not present in population databases (ExAC no frequency). This sequence change creates a premature translational stop signal (p.Leu54*) in the MKS1 gene. It is expected to result in an absent or disrupted protein product. Loss-of-function variants in MKS1 are known to be pathogenic (PMID: 19466712, 24886560, 26490104).

Literature cited by the submitters: PubMed 19466712; PubMed 24886560; PubMed 26490104.

NM_017777.4(MKS1):c.161T>A (p.Leu54Ter)

Gene: MKS1 (MKS transition zone complex subunit 1; minus strand). Cytogenetic location: 17q22.
Variant type: single nucleotide variant.
Coding change: c.161T>A on transcript NM_017777.4 (MANE Select); coding-DNA position 161, T replaced by A.
Protein change: p.Leu54Ter; replaces leucine 54 with a stop codon.
Molecular consequence: nonsense. On other transcripts: 5 prime UTR variant (1).
Genome position (GRCh38, 1-based): chr17:58,218,649, A>T on the plus strand (T>A on the coding strand, the complement: MKS1 is on the minus strand). VCF-style: chr17-58218649-A-T. GRCh37 (hg19) VCF-style: chr17-56296010-A-T.
Other names: c.-351T>A (NM_001321268.2); c.161T>A, p.Leu54Ter (NM_001321269.2, NM_001330397.2); short protein forms L54*.
Identifiers: ClinVar variation 1374939 (VCV001374939.6), dbSNP rs2143838681, ClinGen allele CA400327916.